The following is an entry in ClinVar:

NM_001379291.1(BRD4):c.3566C>T (p.Ala1189Val)

Gene: BRD4 (bromodomain containing 4; minus strand). Cytogenetic location: 19p13.12.
Variant type: single nucleotide variant.
Coding change: c.3566C>T on transcript NM_001379291.1 (MANE Select); coding-DNA position 3566, C replaced by T.
Protein change: p.Ala1189Val; replaces alanine 1189 with valine.
Molecular consequence: missense variant.
Genome position (GRCh38, 1-based): chr19:15,239,402, G>A on the plus strand (C>T on the coding strand, the complement: BRD4 is on the minus strand). VCF-style: chr19-15239402-G-A. GRCh37 (hg19) VCF-style: chr19-15350213-G-A.
Other names: c.3566C>T, p.Ala1189Val (NM_058243.3); short protein forms A1189V.
Identifiers: ClinVar variation 1979935 (VCV001979935.4), dbSNP rs368540009, ClinGen allele CA9264605.

ClinVar aggregate classification (germline): Uncertain significance (1 of 4 stars; one submission).

Allele frequency attached by ClinVar (database versions not stated): ExAC 0.00002; gnomAD 0.00002; TOPMed 0.00002; gnomAD exomes 0.00003; ESP Exome Variant Server 0.00008.
gnomAD v4.1: 43 of 1,614,068 alleles (0.0027%); highest among the groups gnomAD compares: Admixed American, 0.012%; no homozygotes.

Submission:

Labcorp Genetics (formerly Invitae), Labcorp
Classification: Uncertain significance. Last evaluated: 2025-12-15. Review status: criteria provided, single submitter. Criteria: Invitae Variant Classification Sherloc (09022015). Collection method: clinical testing. Allele origin: germline.
Comment: This sequence change replaces alanine, which is neutral and non-polar, with valine, which is neutral and non-polar, at codon 1189 of the BRD4 protein (p.Ala1189Val). This variant is present in population databases (rs368540009, gnomAD 0.01%). This variant has not been reported in the literature in individuals affected with BRD4-related conditions. ClinVar contains an entry for this variant (Variation ID: 1979935). An algorithm developed to predict the effect of missense changes on protein structure and function (PolyPhen-2) suggests that this variant is likely to be disruptive. In summary, the available evidence is currently insufficient to determine the role of this variant in disease. Therefore, it has been classified as a Variant of Uncertain Significance.